The following is an entry in ClinVar:

ClinVar aggregate classification (germline): Uncertain significance. Review status: criteria provided, multiple submitters, no conflicts (2 of 4 stars). 2 submissions from 2 submitters: Uncertain significance (2). Last evaluated 2026-06-15.

Conditions:
WDPCP-related disorder. Also called: WDPCP-related condition.
Bardet-Biedl syndrome (BBS). Identifiers: Orphanet 110, MedGen C0752166, MONDO:0015229.

Allele frequency attached by ClinVar (database versions not stated): gnomAD exomes below 0.00001; ExAC 0.00001; gnomAD 0.00001.
gnomAD v4.1: 3 of 1,613,136 alleles (0.00019%); highest among the groups gnomAD compares: Admixed American, 0.0017%; no homozygotes.

Submissions (2):

PreventionGenetics, part of Exact Sciences
Classification: Uncertain significance for WDPCP-related condition. Last evaluated: 2026-06-15. Review status: criteria provided, single submitter. Criteria: ACMG Guidelines, 2015. Collection method: clinical testing. Allele origin: germline.
Comment: The WDPCP c.1670C>T variant is predicted to result in the amino acid substitution p.Pro557Leu. To our knowledge, this variant has not been reported in the literature. This variant is reported in 0.00078% of alleles in individuals of European (Non-Finnish) descent in gnomAD. At this time, the clinical significance of this variant is uncertain due to the absence of conclusive functional and genetic evidence.

Labcorp Genetics (formerly Invitae), Labcorp
Classification: Uncertain significance for Bardet-Biedl syndrome. Last evaluated: 2021-07-09. Review status: criteria provided, single submitter. Criteria: Invitae Variant Classification Sherloc (09022015). Collection method: clinical testing. Allele origin: germline.
Comment: This sequence change replaces proline with leucine at codon 557 of the WDPCP protein (p.Pro557Leu). The proline residue is highly conserved and there is a moderate physicochemical difference between proline and leucine. This variant is present in population databases (rs760413825, ExAC 0.002%). This variant has not been reported in the literature in individuals with WDPCP-related conditions. Algorithms developed to predict the effect of missense changes on protein structure and function (SIFT, PolyPhen-2, Align-GVGD) all suggest that this variant is likely to be disruptive, but these predictions have not been confirmed by published functional studies and their clinical significance is uncertain. In summary, the available evidence is currently insufficient to determine the role of this variant in disease. Therefore, it has been classified as a Variant of Uncertain Significance.

NM_015910.7(WDPCP):c.1670C>T (p.Pro557Leu)

Gene: WDPCP (WD repeat containing planar cell polarity effector; minus strand). Cytogenetic location: 2p15.
Variant type: single nucleotide variant.
Coding change: c.1670C>T on transcript NM_015910.7 (MANE Select); coding-DNA position 1670, C replaced by T.
Protein change: p.Pro557Leu; replaces proline 557 with leucine.
Molecular consequence: missense variant. On other transcripts: non-coding transcript variant (3).
Genome position (GRCh38, 1-based): chr2:63,378,464, G>A on the plus strand (C>T on the coding strand, the complement: WDPCP is on the minus strand). VCF-style: chr2-63378464-G-A. GRCh37 (hg19) VCF-style: chr2-63605599-G-A.
Other names: c.1193C>T, p.Pro398Leu (NM_001042692.3); c.1598C>T, p.Pro533Leu (NM_001354044.2); c.1670C>T, p.Pro557Leu (NM_001354045.2); c.1670C>T (NM_015910.5); short protein forms P398L, P557L, P533L.
Identifiers: ClinVar variation 1487166 (VCV001487166.9), dbSNP rs760413825, ClinGen allele CA1682159.